The following is an entry in ClinVar:

NM_003924.4(PHOX2B):c.89A>G (p.Tyr30Cys)

Genes: PHOX2B-AS1 (PHOX2B antisense RNA 1; plus strand), PHOX2B (paired like homeobox 2B; minus strand). Cytogenetic location: 4p13.
Variant type: single nucleotide variant.
Coding change: c.89A>G on transcript NM_003924.4 (MANE Select); coding-DNA position 89, A replaced by G.
Protein change: p.Tyr30Cys; replaces tyrosine 30 with cysteine.
Molecular consequence: missense variant. On other transcripts: non-coding transcript variant (1).
Genome position (GRCh38, 1-based): chr4:41,748,522, T>C on the plus strand (A>G on the coding strand, the complement: PHOX2B is on the minus strand). VCF-style: chr4-41748522-T-C. GRCh37 (hg19) VCF-style: chr4-41750539-T-C.
Other names: short protein forms Y30C.
Identifiers: ClinVar variation 3888501 (VCV003888501.1).

ClinVar aggregate classification (germline): Uncertain significance (1 of 4 stars; one submission).

Conditions:
Hereditary cancer-predisposing syndrome. Also called: Tumor predisposition; Neoplastic Syndromes, Hereditary; Hereditary Cancer Syndrome; Hereditary neoplastic syndrome. Identifiers: Orphanet 140162, MedGen C0027672, MeSH D009386, MONDO:0015356.

gnomAD v4.1: 2 of 1,614,176 alleles (0.00012%); highest among the groups gnomAD compares: Non-Finnish European, 0.00017%; no homozygotes.

Submission:

Ambry Genetics
Classification: Uncertain significance for Hereditary cancer-predisposing syndrome. Last evaluated: 2025-03-02. Review status: criteria provided, single submitter. Criteria: Ambry Variant Classification Scheme 2023. Collection method: clinical testing. Allele origin: germline.
Comment: The p.Y30C variant (also known as c.89A>G), located in coding exon 1 of the PHOX2B gene, results from an A to G substitution at nucleotide position 89. The tyrosine at codon 30 is replaced by cysteine, an amino acid with highly dissimilar properties. This amino acid position is conserved. In addition, this alteration is predicted to be deleterious by in silico analysis. Based on the available evidence, the clinical significance of this variant remains unclear.